The following is an entry in ClinVar:

ClinVar aggregate classification (germline): Uncertain significance (1 of 4 stars; one submission).

Submission:

GeneDx
Classification: Uncertain significance. Last evaluated: 2016-12-15. Review status: criteria provided, single submitter. Criteria: GeneDx Variant Classification (06012015). Collection method: clinical testing. Allele origin: germline. Affected: yes.
Comment: A novel variant of uncertain significance has been identified in the FBN1 gene. The P2100L variant has not beenpublished as a pathogenic variant, nor has it been reported as a benign variant to our knowledge. It was not observedin approximately 6,500 individuals of European and African American ancestry in the NHLBI Exome SequencingProject, indicating it is not a common benign variant in these populations. The P2100L variant is asemi-conservative amino acid substitution, which may impact secondary protein structure as these residues differ insome properties. In addition, this substitution occurs at a position that is conserved across species, and in silicoanalysis predicts this variant is probably damaging to the protein structure/function. However, the P2100L variantdoes not affect a Cysteine residue within a calcium-binding EGF-like domain of the FBN1 gene. Cysteinesubstitutions in the calcium-binding EGF-like domains represent the majority of pathogenic missense changesassociated with Marfan syndrome (Collod-Beroud et al., 2003).Therefore, based on the currently available information, it is unclear whether this variant is pathogenic or rare benign.This result cannot be interpreted for diagnosis or used for family member screening at this time

NM_000138.5(FBN1):c.6299C>T (p.Pro2100Leu)

Gene: FBN1 (fibrillin 1; minus strand). Cytogenetic location: 15q21.1.
Variant type: single nucleotide variant.
Coding change: c.6299C>T on transcript NM_000138.5 (MANE Select); coding-DNA position 6299, C replaced by T.
Protein change: p.Pro2100Leu; replaces proline 2100 with leucine.
Molecular consequence: missense variant.
Genome position (GRCh38, 1-based): chr15:48,437,782, G>A on the plus strand (C>T on the coding strand, the complement: FBN1 is on the minus strand). VCF-style: chr15-48437782-G-A. GRCh37 (hg19) VCF-style: chr15-48729979-G-A.
Other names: short protein forms P2100L.
Identifiers: ClinVar variation 391735 (VCV000391735.2), dbSNP rs1057524215, ClinGen allele CA16606698.